The following is an entry in ClinVar:

ClinVar aggregate classification (germline): Uncertain significance (1 of 4 stars; one submission).

Conditions:
Hereditary cancer-predisposing syndrome. Also called: Neoplastic Syndromes, Hereditary; Hereditary Cancer Syndrome; Hereditary neoplastic syndrome; Tumor predisposition. Identifiers: Orphanet 140162, MedGen C0027672, MeSH D009386, MONDO:0015356.

Submission:

Ambry Genetics
Classification: Uncertain significance for Hereditary cancer-predisposing syndrome. Last evaluated: 2025-07-28. Review status: criteria provided, single submitter. Criteria: Ambry Variant Classification Scheme 2023. Collection method: clinical testing. Allele origin: germline.
Comment: The p.D431G variant (also known as c.1292A>G), located in coding exon 11 of the MRE11A gene, results from an A to G substitution at nucleotide position 1292. The aspartic acid at codon 431 is replaced by glycine, an amino acid with similar properties. This amino acid position is conserved. In addition, this alteration is predicted to be deleterious by in silico analysis. Since supporting evidence is limited at this time, the clinical significance of this alteration remains unclear.

NM_005591.4(MRE11):c.1292A>G (p.Asp431Gly)

Gene: MRE11 (MRE11 double strand break repair nuclease; minus strand). Cytogenetic location: 11q21.
Variant type: single nucleotide variant.
Coding change: c.1292A>G on transcript NM_005591.4 (MANE Select); coding-DNA position 1292, A replaced by G.
Protein change: p.Asp431Gly; replaces aspartic acid 431 with glycine.
Molecular consequence: missense variant.
Genome position (GRCh38, 1-based): chr11:94,460,970, T>C on the plus strand (A>G on the coding strand, the complement: MRE11 is on the minus strand). VCF-style: chr11-94460970-T-C. GRCh37 (hg19) VCF-style: chr11-94194136-T-C.
Other names: c.1292A>G, p.Asp431Gly (NM_001330347.2, NM_005590.4); short protein forms D431G.
Identifiers: ClinVar variation 2565912 (VCV002565912.3), dbSNP rs2496399579, ClinGen allele CA382372344.